The following is an entry in ClinVar:

ClinVar aggregate classification (germline): Conflicting classifications of pathogenicity. Review status: criteria provided, conflicting classifications (1 of 4 stars). 6 submissions from 6 submitters: Uncertain significance (1); Benign (1); Likely benign (3). 1 of the submissions does not count toward it. Last evaluated 2026-02-02.

Conditions:
Intellectual disability, autosomal recessive 53 (NEDHSCA). Also called: NEURODEVELOPMENTAL DISORDER WITH OR WITHOUT HYPOTONIA, SEIZURES, AND CEREBELLAR ATROPHY; GLYCOSYLPHOSPHATIDYLINOSITOL BIOSYNTHESIS DEFECT 13; Mental retardation, autosomal recessive 53. Identifiers: Orphanet 488635, MedGen C4310794, MONDO:0014832, OMIM 616917.
PIGG-related disorder. Also called: PIGG-related condition.
Inborn genetic diseases. Identifiers: MedGen C0950123, MeSH D030342.

Allele frequency attached by ClinVar (database versions not stated): ExAC 0.00064; gnomAD exomes 0.00022 and 0.00104; 1000 Genomes Project 0.00040; gnomAD 0.00119 and 0.00122; 1000 Genomes Project 30x 0.00047; TOPMed 0.00121.
gnomAD v4.1: 502 of 1,613,736 alleles (0.031%); highest among the groups gnomAD compares: Admixed American, 0.8%; 6 homozygotes.

Submissions (6):

Labcorp Genetics (formerly Invitae), Labcorp
Classification: Likely benign for Intellectual disability, autosomal recessive 53. Last evaluated: 2026-02-02. Review status: criteria provided, single submitter. Criteria: Invitae Variant Classification Sherloc (09022015). Collection method: clinical testing. Allele origin: germline.

Ambry Genetics
Classification: Likely benign for Inborn genetic diseases. Last evaluated: 2025-07-14. Review status: criteria provided, single submitter. Criteria: Ambry Variant Classification Scheme 2023. Collection method: clinical testing. Allele origin: germline.

Mayo Clinic Laboratories, Mayo Clinic
Classification: Benign. Last evaluated: 2024-08-05. Review status: criteria provided, single submitter. Criteria: ACMG Guidelines, 2015. Collection method: clinical testing. Allele origin: germline. Observed: 3 variant alleles.
Comment: BS1, BS2, BP4_moderate

GeneDx
Classification: Likely benign. Last evaluated: 2021-06-15. Review status: criteria provided, single submitter. Criteria: GeneDx Variant Classification Process June 2021. Collection method: clinical testing. Allele origin: germline. Affected: yes.
Comment: This variant is associated with the following publications: (PMID: 27535533)

Baylor Genetics
Classification: Uncertain significance for Intellectual disability, autosomal recessive 53. Last evaluated: 2018-03-21. Review status: criteria provided, single submitter. Criteria: ACMG Guidelines, 2015. Collection method: clinical testing. Allele origin: paternal. Affected: yes.
Comment: This variant was determined to be of uncertain significance according to ACMG Guidelines, 2015 [PMID:25741868].

PreventionGenetics, part of Exact Sciences
Classification: Likely benign for PIGG-related condition. Last evaluated: 2023-04-27. Review status: no assertion criteria provided. Collection method: clinical testing. Allele origin: germline. Not counted in ClinVar's aggregate classification.
Comment: This variant is classified as likely benign based on ACMG/AMP sequence variant interpretation guidelines (Richards et al. 2015 PMID: 25741868, with internal and published modifications).

NM_001127178.3(PIGG):c.998G>A (p.Ser333Asn)

Gene: PIGG (phosphatidylinositol glycan anchor biosynthesis class G (EMM blood group); plus strand). Cytogenetic location: 4p16.3.
Variant type: single nucleotide variant.
Coding change: c.998G>A on transcript NM_001127178.3 (MANE Select); coding-DNA position 998, G replaced by A.
Protein change: p.Ser333Asn; replaces serine 333 with asparagine.
Molecular consequence: missense variant. On other transcripts: 5 prime UTR variant (4), non-coding transcript variant (10).
Genome position (GRCh38, 1-based): chr4:516,069, G>A. VCF-style: chr4-516069-G-A. GRCh37 (hg19) VCF-style: chr4-509858-G-A.
Other names: p.Ser333Asn; c.731G>A, p.Ser244Asn (NM_001289051.2, NM_001289053.2, NM_001289057.2 and 2 more transcripts); c.599G>A, p.Ser200Asn (NM_001289052.2); c.632G>A, p.Ser211Asn (NM_001289055.2); c.-32G>A (NM_001345988.2); c.998G>A, p.Ser333Asn (NM_001345989.2, NM_017733.5); c.-628G>A (NM_001345990.2); c.-490G>A (NM_001345991.2); and 1 more; short protein forms S333N, S244N, S200N, S211N.
Identifiers: ClinVar variation 542899 (VCV000542899.19), dbSNP rs185712951, ClinGen allele CA2793177.